The following is an entry in ClinVar:

ClinVar aggregate classification (germline): Uncertain significance (1 of 4 stars; one submission).

Allele frequency attached by ClinVar (database versions not stated): gnomAD 0.00001; TOPMed 0.00001; ExAC 0.00002; gnomAD exomes 0.00003 and 0.00004; ESP Exome Variant Server 0.00008.
gnomAD v4.1: 49 of 1,614,072 alleles (0.003%); highest among the groups gnomAD compares: Non-Finnish European, 0.0041%; no homozygotes.

Submission:

Labcorp Genetics (formerly Invitae), Labcorp
Classification: Uncertain significance. Last evaluated: 2021-10-17. Review status: criteria provided, single submitter. Criteria: Invitae Variant Classification Sherloc (09022015). Collection method: clinical testing. Allele origin: germline.
Comment: This sequence change replaces lysine with arginine at codon 389 of the IL6R protein (p.Lys389Arg). The lysine residue is moderately conserved and there is a small physicochemical difference between lysine and arginine. In summary, the available evidence is currently insufficient to determine the role of this variant in disease. Therefore, it has been classified as a Variant of Uncertain Significance. Algorithms developed to predict the effect of missense changes on protein structure and function output the following: SIFT: "Tolerated"; PolyPhen-2: "Benign"; Align-GVGD: "Class C0". The arginine amino acid residue is found in multiple mammalian species, which suggests that this missense change does not adversely affect protein function. This variant has not been reported in the literature in individuals affected with IL6R-related conditions. This variant is present in population databases (rs151155578, ExAC 0.004%).

NM_000565.4(IL6R):c.1166A>G (p.Lys389Arg)

Gene: IL6R (interleukin 6 receptor; plus strand). Cytogenetic location: 1q21.3.
Variant type: single nucleotide variant.
Coding change: c.1166A>G on transcript NM_000565.4 (MANE Select); coding-DNA position 1166, A replaced by G.
Protein change: p.Lys389Arg; replaces lysine 389 with arginine.
Molecular consequence: missense variant.
Genome position (GRCh38, 1-based): chr1:154,465,139, A>G. VCF-style: chr1-154465139-A-G. GRCh37 (hg19) VCF-style: chr1-154437615-A-G.
Other names: c.1265A>G, p.Lys422Arg (NM_001382769.1); c.1259A>G, p.Lys420Arg (NM_001382770.1); c.1214A>G, p.Lys405Arg (NM_001382771.1); c.1160A>G, p.Lys387Arg (NM_001382772.1); c.1120A>G, p.Arg374Gly (NM_001382773.1); c.806A>G, p.Lys269Arg (NM_001382774.1); c.1072A>G, p.Arg358Gly (NM_181359.3); short protein forms K269R, K422R, R358G, R374G, K389R, K387R, K405R, K420R.
Identifiers: ClinVar variation 1464573 (VCV001464573.4), dbSNP rs151155578, ClinGen allele CA1129305.